The following is an entry in ClinVar:

NM_024675.4(PALB2):c.1104T>C (p.Asn368=)

Gene: PALB2 (partner and localizer of BRCA2; minus strand). Cytogenetic location: 16p12.2.
Variant type: single nucleotide variant.
Coding change: c.1104T>C on transcript NM_024675.4 (MANE Select); coding-DNA position 1104, T replaced by C.
Protein change: p.Asn368=; no amino-acid change (asparagine 368 retained).
Molecular consequence: synonymous variant. On other transcripts: intron variant (3).
Genome position (GRCh38, 1-based): chr16:23,635,442, A>G on the plus strand (T>C on the coding strand, the complement: PALB2 is on the minus strand). VCF-style: chr16-23635442-A-G. GRCh37 (hg19) VCF-style: chr16-23646763-A-G.
Other names: c.1044T>C, p.Asn348= (NM_001407296.1); c.1104T>C, p.Asn368= (NM_001407297.1, NM_001407298.1, NM_001407299.1 and 3 more transcripts); c.219T>C, p.Asn73= (NM_001407304.1, NM_001407305.1, NM_001407306.1 and 5 more transcripts); c.48+5668T>C (NM_001407314.1); c.-104-4973T>C (NM_001407313.1, NM_001407312.1).
Identifiers: ClinVar variation 3903845 (VCV003903845.1).

ClinVar aggregate classification (germline): Benign (1 of 4 stars; one submission).

Conditions:
Familial cancer of breast. Also called: Hereditary breast cancer; hereditary breast carcinoma; BREAST CANCER, FAMILIAL. Identifiers: Orphanet 227535, MedGen C0346153, MONDO:0016419, OMIM 114480. Disease mechanism: loss of function.

Submission:

Myriad Genetics, Inc.
Classification: Benign for Familial cancer of breast. Last evaluated: 2025-01-13. Review status: criteria provided, single submitter. Criteria: Myriad Autosomal Dominant, Autosomal Recessive and X-Linked Classification Criteria (2023). Collection method: clinical testing. Allele origin: unknown.
Comment: This variant is considered benign. This variant is a silent/synonymous amino acid change and it is not expected to impact splicing.